The following is an entry in ClinVar:

ClinVar aggregate classification (germline): Uncertain significance. Review status: criteria provided, single submitter (1 of 4 stars). 2 submissions from 2 submitters: Uncertain significance (1). 1 of the submissions does not count toward it. Last evaluated 2023-06-09.

Conditions:
Neuroblastoma (NB). Identifiers: Orphanet 635, MedGen C0027819, MeSH D009447, MONDO:0005072, HP:0003006.

Allele frequency attached by ClinVar (database versions not stated): gnomAD exomes below 0.00001; gnomAD 0.00001; TOPMed 0.00001.
gnomAD v4.1: 2 of 1,613,948 alleles (0.00012%); highest among the groups gnomAD compares: Non-Finnish European, 0.00017%; no homozygotes.

Submissions (2):

Labcorp Genetics (formerly Invitae), Labcorp
Classification: Uncertain significance. Last evaluated: 2023-06-09. Review status: criteria provided, single submitter. Criteria: Invitae Variant Classification Sherloc (09022015). Collection method: clinical testing. Allele origin: germline.
Comment: This sequence change replaces phenylalanine, which is neutral and non-polar, with leucine, which is neutral and non-polar, at codon 331 of the FGFR3 protein (p.Phe331Leu). This variant is present in population databases (no rsID available, gnomAD 0.007%). This variant has not been reported in the literature in individuals affected with FGFR3-related conditions. ClinVar contains an entry for this variant (Variation ID: 438762). In summary, the available evidence is currently insufficient to determine the role of this variant in disease. Therefore, it has been classified as a Variant of Uncertain Significance. Advanced modeling of protein sequence and biophysical properties (such as structural, functional, and spatial information, amino acid conservation, physicochemical variation, residue mobility, and thermodynamic stability) performed at Invitae indicates that this missense variant is not expected to disrupt FGFR3 protein function.

Donald Williams Parsons Laboratory, Baylor College of Medicine
Classification: other for NEUROBLASTOMA. Last evaluated: 2016-05-01. Review status: no assertion criteria provided. Collection method: clinical testing. Allele origin: somatic. Inheritance: Somatic mutation. Affected: yes. Study: CSER-BASIC3. Not counted in ClinVar's aggregate classification.

Literature cited by the submitters: PubMed 26822237 (cited by Donald Williams Parsons Laboratory, Baylor College of Medicine).

NM_000142.5(FGFR3):c.991T>C (p.Phe331Leu)

Gene: FGFR3 (fibroblast growth factor receptor 3; plus strand). Cytogenetic location: 4p16.3.
Variant type: single nucleotide variant.
Coding change: c.991T>C on transcript NM_000142.5 (MANE Select); coding-DNA position 991, T replaced by C.
Protein change: p.Phe331Leu; replaces phenylalanine 331 with leucine.
Molecular consequence: missense variant. On other transcripts: non-coding transcript variant (1), intron variant (2).
Genome position (GRCh38, 1-based): chr4:1,803,752, T>C. VCF-style: chr4-1803752-T-C. GRCh37 (hg19) VCF-style: chr4-1805479-T-C.
Other names: c.991T>C, p.Phe331Leu (NM_001354809.2, NM_001354810.2); c.1082-578T>C (NM_001163213.2); c.931-1072T>C (NM_022965.4); short protein forms F331L.
Identifiers: ClinVar variation 438762 (VCV000438762.4), dbSNP rs1246952737, ClinGen allele CA355978273.
Genomic context (GRCh38, chr4:1,803,752, plus strand): 5'-ACGGCGGGCGCTAACACCACCGACAAGGAGCTAGAGGTTCTCTCCTTGCACAACGTCACC[T>C]TTGAGGACGCCGGGGAGTACACCTGCCTGGCGGGCAATTCTATTGGGTTTTCTCATCACT-3'
Protein context (NP_000133.1, residues 321-341): LEVLSLHNVT[Phe331Leu]EDAGEYTCLA